The following is an entry in ClinVar:

NM_003919.3(SGCE):c.1265A>C (p.His422Pro)

Genes: CASD1 (CAS1 domain sialic acid O acetyltransferase 1; plus strand), SGCE (sarcoglycan epsilon; minus strand). Cytogenetic location: 7q21.3.
Variant type: single nucleotide variant.
Coding change: c.1265A>C on transcript NM_003919.3 (MANE Select); coding-DNA position 1265, A replaced by C.
Protein change: p.His422Pro; replaces histidine 422 with proline.
Molecular consequence: missense variant.
Genome position (GRCh38, 1-based): chr7:94,588,721, T>G on the plus strand (A>C on the coding strand, the complement: SGCE is on the minus strand). VCF-style: chr7-94588721-T-G. GRCh37 (hg19) VCF-style: chr7-94218033-T-G.
Other names: c.1238A>C, p.His413Pro (NM_001099400.2, NM_001346717.2); c.1340A>C, p.His447Pro (NM_001099401.2); c.1142A>C, p.His381Pro (NM_001301139.2); c.1373A>C, p.His458Pro (NM_001346713.2); c.1346A>C, p.His449Pro (NM_001346715.2); c.1178A>C, p.His393Pro (NM_001346719.2); c.992A>C, p.His331Pro (NM_001346720.2); c.1151A>C, p.His384Pro (NM_001362807.2); and 2 more; short protein forms H331P, H381P, H447P, H322P, H384P, H458P, H393P, H413P.
Identifiers: ClinVar variation 2722148 (VCV002722148.3), dbSNP rs1208271707, ClinGen allele CA368228291.

ClinVar aggregate classification (germline): Uncertain significance (1 of 4 stars; one submission).

Conditions:
Myoclonic dystonia 11 (DYT11). Also called: Myoclonic dystonia; Dystonia 11; Dystonia, alcohol responsive; Hereditary essential myoclonus; SGCE Myoclonus-Dystonia; Myoclonus-Dystonia. Identifiers: Orphanet 36899, MedGen C1834570, MONDO:0008044, OMIM 159900.

Allele frequency attached by ClinVar (database versions not stated): gnomAD 0.00001; gnomAD exomes 0.00002.
gnomAD v4.1: 23 of 1,612,120 alleles (0.0014%); highest among the groups gnomAD compares: Non-Finnish European, 0.002%; no homozygotes.

Submission:

Labcorp Genetics (formerly Invitae), Labcorp
Classification: Uncertain significance for Myoclonic dystonia 11. Last evaluated: 2023-01-28. Review status: criteria provided, single submitter. Criteria: Invitae Variant Classification Sherloc (09022015). Collection method: clinical testing. Allele origin: germline.
Comment: This sequence change replaces histidine, which is basic and polar, with proline, which is neutral and non-polar, at codon 422 of the SGCE protein (p.His422Pro). This variant is not present in population databases (gnomAD no frequency). This variant has not been reported in the literature in individuals affected with SGCE-related conditions. Algorithms developed to predict the effect of missense changes on protein structure and function are either unavailable or do not agree on the potential impact of this missense change (SIFT: "Tolerated"; PolyPhen-2: "Possibly Damaging"; Align-GVGD: "Class C0"). In summary, the available evidence is currently insufficient to determine the role of this variant in disease. Therefore, it has been classified as a Variant of Uncertain Significance.